The following is an entry in ClinVar:

NM_001374736.1(DST):c.17297A>G (p.Asn5766Ser)

Gene: DST (dystonin; minus strand). Cytogenetic location: 6p12.1.
Variant type: single nucleotide variant.
Coding change: c.17297A>G on transcript NM_001374736.1 (MANE Select); coding-DNA position 17297, A replaced by G.
Protein change: p.Asn5766Ser; replaces asparagine 5766 with serine.
Molecular consequence: missense variant. On other transcripts: intron variant (2).
Genome position (GRCh38, 1-based): chr6:56,529,746, T>C on the plus strand (A>G on the coding strand, the complement: DST is on the minus strand). VCF-style: chr6-56529746-T-C. GRCh37 (hg19) VCF-style: chr6-56394544-T-C.
Other names: c.10940A>G, p.Asn3647Ser (NM_001144769.5); c.10526A>G, p.Asn3509Ser (NM_001144770.2); c.17297A>G, p.Asn5766Ser (NM_001374722.1); c.17324A>G, p.Asn5775Ser (NM_001374734.1); c.10406A>G, p.Asn3469Ser (NM_001386100.1, NM_183380.4); c.9428A>G, p.Asn3143Ser (NM_015548.5); c.10377+228A>G (NM_001374730.1); c.16635+228A>G (NM_001374729.1); short protein forms N3647S, N5766S, N5775S, N3469S, N3509S, N3143S.
Identifiers: ClinVar variation 1990302 (VCV001990302.4), dbSNP rs781585055, ClinGen allele CA3867460.
Genomic context (GRCh38, chr6:56,529,746, plus strand): 5'-TCCCTGGAGCTCAAAACCTTTAAGGACTGGCCAATGCTAACAGCCTGGTGTAAATGTTTA[T>C]TGTGATTGATGATGTCATCTTCTAAGGCCTAAGCAAAGTTTAAAAAAATAAAGAAGAAAA-3'
Protein context (NP_001361665.1, residues 5756-5776): KALEDDIINH[Asn5766Ser]KHLHQAVSIG

ClinVar aggregate classification (germline): Uncertain significance (1 of 4 stars; one submission).

Conditions:
Epidermolysis bullosa simplex 3, localized or generalized intermediate, with BP230 deficiency (EBS3). Also called: Epidermolysis bullosa simplex, autosomal recessive 2; Epidermolysis bullosa simplex due to BP230 deficiency. Identifiers: Orphanet 412181, MedGen C3809470, MONDO:0014180, OMIM 615425.
Hereditary sensory and autonomic neuropathy type 6. Also called: Neuropathy, hereditary sensory and autonomic, type VI; HSAN VI. Identifiers: Orphanet 314381, MedGen C3539003, MONDO:0013839, OMIM 614653.

Allele frequency attached by ClinVar (database versions not stated): gnomAD exomes below 0.00001; ExAC 0.00001; gnomAD 0.00001; TOPMed 0.00002.
gnomAD v4.1: 3 of 1,594,066 alleles (0.00019%); highest among the groups gnomAD compares: African/African-American, 0.0027%; no homozygotes.

Submission:

Labcorp Genetics (formerly Invitae), Labcorp
Classification: Uncertain significance for Epidermolysis bullosa simplex 3, localized or generalized intermediate, with BP230 deficiency; Hereditary sensory and autonomic neuropathy type 6. Last evaluated: 2022-06-11. Review status: criteria provided, single submitter. Criteria: Invitae Variant Classification Sherloc (09022015). Collection method: clinical testing. Allele origin: germline.
Comment: In summary, the available evidence is currently insufficient to determine the role of this variant in disease. Therefore, it has been classified as a Variant of Uncertain Significance. Experimental studies and prediction algorithms are not available or were not evaluated, and the functional significance of this variant is currently unknown. This variant has not been reported in the literature in individuals affected with DST-related conditions. This variant is present in population databases (rs781585055, gnomAD 0.01%). This sequence change replaces asparagine, which is neutral and polar, with serine, which is neutral and polar, at codon 3143 of the DST protein (p.Asn3143Ser). The DST gene has multiple clinically relevant transcripts. This variant occurs in alternate transcript NM_015548.4, and corresponds to NM_001723.5:c.*85771A>G in the primary transcript.